The following is an entry in ClinVar:

NM_033380.3(COL4A5):c.2055T>C (p.Leu685=)

Gene: COL4A5 (collagen type IV alpha 5 chain; plus strand). Cytogenetic location: Xq22.3.
Variant type: single nucleotide variant.
Coding change: c.2055T>C on transcript NM_033380.3 (MANE Select); coding-DNA position 2055, T replaced by C.
Protein change: p.Leu685=; no amino-acid change (leucine 685 retained).
Molecular consequence: synonymous variant.
Genome position (GRCh38, 1-based): chrX:108,601,898, T>C. VCF-style: chrX-108601898-T-C. GRCh37 (hg19) VCF-style: chrX-107845128-T-C.
Other names: p.Leu685=; c.2055T>C, p.Leu685= (NM_000495.5); c.2055T>C (NM_033380.1).
Identifiers: ClinVar variation 24481 (VCV000024481.32), dbSNP rs7884085, ClinGen allele CA258607.
Genomic context (GRCh38, chrX:108,601,898, plus strand): 5'-TTCTTTCTTTGAACGTTTTCCTTTCAATAACTGCTGTTTCTCCATAGGTGACCCTGGACT[T>C]CCAGGGCAACCAGGCTTGCCAGGGATACCTGGTAGCAAAGGAGAACCAGGTATCCCTGGA-3'
Protein context (NP_203699.1, residues 675-695): GDVGLPGDPG[Leu685=]PGQPGLPGIP

ClinVar aggregate classification (germline): Benign. Review status: criteria provided, multiple submitters, no conflicts (2 of 4 stars). 13 submissions from 13 submitters: Benign (10). 3 of the submissions do not count toward it. Last evaluated 2026-02-04.

Conditions:
X-linked Alport syndrome (ATS1). Also called: NEPHROPATHY AND DEAFNESS, X-LINKED; COL4A5-Related Nephropathy. Identifiers: Orphanet 63, Orphanet 88917, MedGen C4746986, MONDO:0010520, OMIM 301050.

Allele frequency attached by ClinVar (database versions not stated): gnomAD exomes 0.04473 and 0.01457; ExAC 0.09782; gnomAD 0.10387 and 0.10905; ESP Exome Variant Server 0.11964; TOPMed 0.12075; 1000 Genomes Project 0.14993; 1000 Genomes Project 30x 0.15879.
gnomAD v4.1: 27,741 of 1,152,504 alleles (2.4%); highest among the groups gnomAD compares: African/African-American, 34%; 2,670 homozygotes.

Submissions (13):

Labcorp Genetics (formerly Invitae), Labcorp
Classification: Benign. Last evaluated: 2026-02-04. Review status: criteria provided, single submitter. Criteria: Invitae Variant Classification Sherloc (09022015). Collection method: clinical testing. Allele origin: germline.

Women's Health and Genetics/Laboratory Corporation of America, LabCorp
Classification: Benign. Last evaluated: 2024-11-29. Review status: criteria provided, single submitter. Criteria: LabCorp Variant Classification Summary - May 2015. Collection method: clinical testing. Allele origin: germline.

Blueprint Genetics
Classification: Benign. Last evaluated: 2024-11-28. Review status: criteria provided, single submitter. Criteria: ACMG Guidelines, 2015. Collection method: clinical testing. Allele origin: germline.

Mayo Clinic Laboratories, Mayo Clinic
Classification: Benign. Last evaluated: 2023-03-26. Review status: criteria provided, single submitter. Criteria: ACMG Guidelines, 2015. Collection method: clinical testing. Allele origin: germline. Observed: 35 variant alleles.

ARUP Laboratories, Molecular Genetics and Genomics, ARUP Laboratories
Classification: Benign for X-linked Alport syndrome. Last evaluated: 2020-01-21. Review status: criteria provided, single submitter. Criteria: ARUP Molecular Germline Variant Investigation Process. Collection method: clinical testing. Allele origin: germline.

Eurofins Ntd Llc (ga)
Classification: Benign. Last evaluated: 2016-04-07. Review status: criteria provided, single submitter. Criteria: EGL Classification Definitions 2015. Collection method: clinical testing. Allele origin: germline. Observed: 1 variant allele, 1 heterozygote.

Laboratory for Molecular Medicine, Mass General Brigham Personalized Medicine
Classification: Benign. Last evaluated: 2016-03-21. Review status: criteria provided, single submitter. Criteria: LMM Criteria. Collection method: clinical testing. Allele origin: germline. Observed: 20 variant alleles.
Comment: p.Leu685Leu in exon 27 of COL4A5: This variant is not expected to have clinical significance because it does not alter an amino acid residue, is not located wit hin the splice consensus sequence, and has been identified in 40.39% (1404/3476) of African chromosomes by the Exome Aggregation Consortium (ExAC; dbSNP rs7884085).

GeneDx
Classification: Benign. Last evaluated: 2015-03-03. Review status: criteria provided, single submitter. Criteria: GeneDx Variant Classification Process June 2021. Collection method: clinical testing. Allele origin: germline. Affected: yes.

Breakthrough Genomics
Classification: Benign. Review status: criteria provided, single submitter. Criteria: ACMG Guidelines, 2015. Collection method: not provided. Allele origin: germline. Inheritance: X-linked inheritance. Affected: yes.

PreventionGenetics, part of Exact Sciences
Classification: Benign. Review status: criteria provided, single submitter. Criteria: ACMG Guidelines, 2015. Collection method: clinical testing. Allele origin: germline.

Natera, Inc.
Classification: Benign for X-linked Alport syndrome. Last evaluated: 2020-09-16. Review status: no assertion criteria provided. Collection method: clinical testing. Allele origin: germline. Not counted in ClinVar's aggregate classification.

Genome Diagnostics Laboratory, University Medical Center Utrecht
Classification: Benign. Review status: no assertion criteria provided. Collection method: clinical testing. Allele origin: germline. Affected: yes. Study: VKGL Data-share Consensus. Not counted in ClinVar's aggregate classification.

Joint Genome Diagnostic Labs from Nijmegen and Maastricht, Radboudumc and MUMC+
Classification: Benign. Review status: no assertion criteria provided. Collection method: clinical testing. Allele origin: germline. Affected: yes. Study: VKGL Data-share Consensus. Not counted in ClinVar's aggregate classification.